The following is an entry in ClinVar:

NM_024757.5(EHMT1):c.162del (p.Asn55fs)

Gene: EHMT1 (euchromatic histone lysine methyltransferase 1; plus strand). Cytogenetic location: 9q34.3.
Variant type: Deletion.
Coding change: c.162del on transcript NM_024757.5 (MANE Select); coding-DNA position 162, one base deleted (C; older notation c.162delC).
Protein change: p.Asn55fs; shifts the reading frame from asparagine 55.
Molecular consequence: frameshift variant.
Genome position (GRCh38, 1-based): chr9:137,716,702, C deleted; the last of 2 consecutive C bases (chr9:137,716,701-137,716,702); deleting either gives the same sequence. VCF-style (leftmost placement, unchanged base first): chr9-137716700-AC-A. GRCh37 (hg19) VCF-style: chr9-140611152-AC-A.
Other names: c.162del, p.Asn55fs (NM_001145527.2, NM_001354263.2, NM_001354611.2); c.69del, p.Asn24fs (NM_001354259.2, NM_001354612.2); short protein forms N55fs, N24fs.
Identifiers: ClinVar variation 1431672 (VCV001431672.6), dbSNP rs2135501951, ClinGen allele CA2573144418.

ClinVar aggregate classification (germline): Pathogenic (1 of 4 stars; one submission).

Conditions:
Kleefstra syndrome 1 (KLEFS1). Identifiers: Orphanet 261494, MedGen C0795833, MONDO:0027407, OMIM 610253.

Submission:

Labcorp Genetics (formerly Invitae), Labcorp
Classification: Pathogenic for Kleefstra syndrome 1. Last evaluated: 2022-01-03. Review status: criteria provided, single submitter. Criteria: Invitae Variant Classification Sherloc (09022015). Collection method: clinical testing. Allele origin: germline.
Comment: This sequence change creates a premature translational stop signal (p.Asn55Metfs*34) in the EHMT1 gene. It is expected to result in an absent or disrupted protein product. Loss-of-function variants in EHMT1 are known to be pathogenic (PMID: 16826528, 19264732). This variant is not present in population databases (gnomAD no frequency). This variant has not been reported in the literature in individuals affected with EHMT1-related conditions. For these reasons, this variant has been classified as Pathogenic.

Literature cited by the submitters: PubMed 16826528; PubMed 19264732.